The following is an entry in ClinVar:

NM_000257.4(MYH7):c.5470A>G (p.Asn1824Asp)

Gene: MYH7 (myosin heavy chain 7; minus strand). Cytogenetic location: 14q11.2.
Variant type: single nucleotide variant.
Coding change: c.5470A>G on transcript NM_000257.4 (MANE Select); coding-DNA position 5470, A replaced by G.
Protein change: p.Asn1824Asp; replaces asparagine 1824 with aspartic acid.
Molecular consequence: missense variant.
Genome position (GRCh38, 1-based): chr14:23,415,084, T>C on the plus strand (A>G on the coding strand, the complement: MYH7 is on the minus strand). VCF-style: chr14-23415084-T-C. GRCh37 (hg19) VCF-style: chr14-23884293-T-C.
Other names: short protein forms N1824D.
Identifiers: ClinVar variation 1284652 (VCV001284652.8), dbSNP rs769112519, ClinGen allele CA046876.
Genomic context (GRCh38, chr14:23,415,084, plus strand): 5'-CGCTCTTCCTCATGCCCTTCACCGACTCTGCGTTGCGCTTCTGCTCGGCCTCCAGCTCAT[T>C]CTCCAGCTCCCGCACCCGCGCTTCCAGCTTCTGCAGCTGCTTCTTGCCGCCCTTGAGGGC-3'
Protein context (NP_000248.2, residues 1814-1834): KLEARVRELE[Asn1824Asp]ELEAEQKRNA

ClinVar aggregate classification (germline): Uncertain significance. Review status: criteria provided, multiple submitters, no conflicts (2 of 4 stars). 5 submissions from 5 submitters: Uncertain significance (3). 2 of the submissions do not count toward it. Last evaluated 2024-08-06.

Conditions:
Hypertrophic cardiomyopathy 1 (CMH1). Also called: Familial hypertrophic cardiomyopathy 1; MYH7-Related Familial Hypertrophic Cardiomyopathy. Identifiers: MedGen C3495498, MONDO:0008647, OMIM 192600.
Dilated cardiomyopathy 1S (CMD1S). Identifiers: Orphanet 154, Orphanet 54260, MedGen C1834481, MONDO:0013262, OMIM 613426.
Congenital myopathy with fiber type disproportion. Also called: Congenital fiber-type disproportion myopathy; Congenital fiber-type disproportion. Identifiers: Orphanet 2020, MedGen C0546264, MONDO:0009711. Inheritance: all.
MYH7-related skeletal myopathy. Also called: Laing distal myopathy; Laing early-onset distal myopathy; Myopathy, distal, 1; MYOPATHY, DISTAL, EARLY-ONSET, AUTOSOMAL DOMINANT; MYOPATHY, LATE DISTAL HEREDITARY. Identifiers: Orphanet 59135, MedGen C4552004, MONDO:0008050, OMIM 160500.
Myopathy, myosin storage, autosomal recessive (CMYO7B). Also called: CONGENITAL MYOPATHY 7B, MYOSIN STORAGE, AUTOSOMAL RECESSIVE. Identifiers: Orphanet 636970, MedGen C1850709, MONDO:0009708, OMIM 255160.
Myosin storage myopathy (CMYO7A). Also called: SCAPULOPERONEAL MUSCULAR DYSTROPHY; SCAPULOPERONEAL SYNDROME, MYOPATHIC TYPE; MYOPATHY, HYALINE BODY, AUTOSOMAL DOMINANT; MYH7-related late-onset scapuloperoneal muscular dystrophy; Congenital myopathy 7A, myosin storage, autosomal dominant; MYOPATHY WITH LYSIS OF TYPE I MYOFIBRILS. Identifiers: Orphanet 437572, Orphanet 636965, MedGen C1842160, MONDO:0008409, OMIM 608358.
Cardiomyopathy (CMYO). Also called: Cardiomyopathies. Identifiers: Orphanet 167848, MedGen C0878544, MONDO:0004994, HP:0001638. Inheritance: Various modes of inheritance.

Allele frequency attached by ClinVar (database versions not stated): ExAC 0.00001; gnomAD exomes 0.00001 and 0.00003; gnomAD 0.00002.
gnomAD v4.1: 54 of 1,613,740 alleles (0.0033%); highest among the groups gnomAD compares: Middle Eastern, 0.017%; no homozygotes.

Submissions (5):

All of Us Research Program, National Institutes of Health
Classification: Uncertain significance for Cardiomyopathy. Last evaluated: 2024-08-06. Review status: criteria provided, single submitter. Criteria: ACMG Guidelines, 2015. Collection method: clinical testing. Allele origin: germline. Inheritance: Autosomal dominant inheritance. Observed: 7 variant alleles, 7 heterozygotes.
Comment: This missense variant replaces asparagine with aspartic acid at codon 1824 of the MYH7 protein. Computational prediction suggests that this variant may not impact protein structure and function (internally defined REVEL score threshold <= 0.5, PMID: 27666373). To our knowledge, functional studies have not been reported for this variant. This variant has been reported in an individual affected with hypertrophic cardiomyopathy (PMID: 33495596). This variant has been identified in 3/282702 chromosomes in the general population by the Genome Aggregation Database (gnomAD). The available evidence is insufficient to determine the role of this variant in disease conclusively. Therefore, this variant is classified as a Variant of Uncertain Significance.

This study involves interpretation of variants in research participants for the purpose of population health screening. Participant phenotype was not available at the time of variant classification. Additional details can be found in publication PMID: 35346344, PMCID: PMC8962531

Centre of Medical Genetics, University Hospital Muenster
Classification: Uncertain significance. Last evaluated: 2021-12-10. Review status: criteria provided, single submitter. Criteria: ACMG Guidelines, 2015. Collection method: clinical testing. Allele origin: unknown. Affected: yes. Observed: 1 variant allele, 1 heterozygote.
Comment: ACMG categories: PM1,PM2,BP1

Fulgent Genetics
Classification: Uncertain significance for MYH7-related skeletal myopathy; Myosin storage myopathy; Hypertrophic cardiomyopathy 1; Myopathy, myosin storage, autosomal recessive; Congenital myopathy 4A, autosomal dominant; Dilated cardiomyopathy 1S. Last evaluated: 2021-10-26. Review status: criteria provided, single submitter. Criteria: ACMG Guidelines, 2015. Collection method: clinical testing. Allele origin: unknown.

Clinical Genetics, Academic Medical Center
Classification: Uncertain significance. Review status: no assertion criteria provided. Collection method: clinical testing. Allele origin: germline. Affected: yes. Study: VKGL Data-share Consensus. Not counted in ClinVar's aggregate classification.

Diagnostic Laboratory, Department of Genetics, University Medical Center Groningen
Classification: Uncertain significance. Review status: no assertion criteria provided. Collection method: clinical testing. Allele origin: germline. Affected: yes. Study: VKGL Data-share Consensus. Not counted in ClinVar's aggregate classification.

Literature cited by the submitters: PubMed 33495596 (cited by All of Us Research Program, National Institutes of Health).